The following is an entry in ClinVar:

NM_138459.5(NUS1):c.548A>G (p.Asn183Ser)

Gene: NUS1 (NUS1 dehydrodolichyl diphosphate synthase subunit; plus strand). Cytogenetic location: 6q22.1.
Variant type: single nucleotide variant.
Coding change: c.548A>G on transcript NM_138459.5 (MANE Select); coding-DNA position 548, A replaced by G.
Protein change: p.Asn183Ser; replaces asparagine 183 with serine.
Molecular consequence: missense variant.
Genome position (GRCh38, 1-based): chr6:117,694,037, A>G. VCF-style: chr6-117694037-A-G. GRCh37 (hg19) VCF-style: chr6-118015200-A-G.
Other names: short protein forms N183S.
Identifiers: ClinVar variation 1514579 (VCV001514579.8), dbSNP rs2114687377, ClinGen allele CA365536915.

ClinVar aggregate classification (germline): Uncertain significance (1 of 4 stars; one submission).

Conditions:
Congenital disorder of glycosylation, type Iaa. Also called: Congenital disorder of glycosylation, type 1aa. Identifiers: MedGen C4310727, MONDO:0014904, OMIM 617082.

Submission:

Labcorp Genetics (formerly Invitae), Labcorp
Classification: Uncertain significance for Congenital disorder of glycosylation, type Iaa. Last evaluated: 2024-02-17. Review status: criteria provided, single submitter. Criteria: Invitae Variant Classification Sherloc (09022015). Collection method: clinical testing. Allele origin: germline.
Comment: This sequence change replaces asparagine, which is neutral and polar, with serine, which is neutral and polar, at codon 183 of the NUS1 protein (p.Asn183Ser). This variant is not present in population databases (gnomAD no frequency). This variant has not been reported in the literature in individuals affected with NUS1-related conditions. ClinVar contains an entry for this variant (Variation ID: 1514579). An algorithm developed to predict the effect of missense changes on protein structure and function (PolyPhen-2) suggests that this variant is likely to be tolerated. In summary, the available evidence is currently insufficient to determine the role of this variant in disease. Therefore, it has been classified as a Variant of Uncertain Significance.